The following is an entry in ClinVar:

ClinVar aggregate classification (germline): Uncertain significance (1 of 4 stars; one submission).

Conditions:
Marfan syndrome (MFS). Also called: MARFAN SYNDROME, TYPE I; Marfan syndrome type 1; Marfan's syndrome; Marfan syndrome, classic; FBN1-Related Marfan Syndrome. Identifiers: Orphanet 284963, Orphanet 558, MedGen C0024796, MONDO:0007947, OMIM 154700.

Allele frequency attached by ClinVar (database versions not stated): ExAC 0.00002.
gnomAD v4.1: 14 of 1,611,398 alleles (0.00087%); highest among the groups gnomAD compares: South Asian, 0.015%; no homozygotes.

Submission:

All of Us Research Program, National Institutes of Health
Classification: Uncertain significance for Marfan syndrome. Last evaluated: 2023-03-28. Review status: criteria provided, single submitter. Criteria: ACMG Guidelines, 2015. Collection method: clinical testing. Allele origin: germline. Inheritance: Autosomal dominant inheritance. Observed: 1 variant allele, 1 heterozygote.
Comment: This study involves interpretation of variants in research participants for the purpose of population health screening. Participant phenotype was not available at the time of variant classification. Additional details can be found in publication PMID: 35346344, PMCID: PMC8962531

NM_000138.5(FBN1):c.6461C>T (p.Pro2154Leu)

Gene: FBN1 (fibrillin 1; minus strand). Cytogenetic location: 15q21.1.
Variant type: single nucleotide variant.
Coding change: c.6461C>T on transcript NM_000138.5 (MANE Select); coding-DNA position 6461, C replaced by T.
Protein change: p.Pro2154Leu; replaces proline 2154 with leucine.
Molecular consequence: missense variant.
Genome position (GRCh38, 1-based): chr15:48,436,996, G>A on the plus strand (C>T on the coding strand, the complement: FBN1 is on the minus strand). VCF-style: chr15-48436996-G-A. GRCh37 (hg19) VCF-style: chr15-48729193-G-A.
Other names: c.6461C>T, p.Pro2154Leu (NM_001406716.1); short protein forms P2154L.
Identifiers: ClinVar variation 3069950 (VCV003069950.1), dbSNP rs756219617, ClinGen allele CA056829.
Genomic context (GRCh38, chr15:48,436,996, plus strand): 5'-CTATGGAAGAAAACTTATTACTCACCTACACATTCATTCCCTGCTAGAATATAACCAAAG[G>A]GACACTCGCAGCGATAGGAACCATCTGTATTGATGCACTGTCCATGTTTACAGACATCGG-3'
Protein context (NP_000129.3, residues 2144-2164): NTDGSYRCEC[Pro2154Leu]FGYILAGNEC